The following is an entry in ClinVar:

ClinVar aggregate classification (germline): Benign/Likely benign. Review status: criteria provided, multiple submitters, no conflicts (2 of 4 stars). 5 submissions from 5 submitters: Benign (4); Likely benign (1). Last evaluated 2026-01-08.

Conditions:
Schinzel-Giedion syndrome (SGS). Identifiers: Orphanet 798, MedGen C0265227, MONDO:0010010, OMIM 269150.

Allele frequency attached by ClinVar (database versions not stated): gnomAD exomes 0.00035 and 0.00075; gnomAD 0.00036 and 0.00038; ESP Exome Variant Server 0.00038; TOPMed 0.00048; ExAC 0.00054.
gnomAD v4.1: 616 of 1,614,006 alleles (0.038%); highest among the groups gnomAD compares: Non-Finnish European, 0.0057%; 11 homozygotes.

Submissions (5):

Labcorp Genetics (formerly Invitae), Labcorp
Classification: Benign. Last evaluated: 2026-01-08. Review status: criteria provided, single submitter. Criteria: Invitae Variant Classification Sherloc (09022015). Collection method: clinical testing. Allele origin: germline.

KCCC/NGS Laboratory, Kuwait Cancer Control Center
Classification: Benign for Schinzel-Giedion syndrome. Last evaluated: 2025-02-01. Review status: criteria provided, single submitter. Criteria: ACMG Guidelines, 2015. Collection method: clinical testing. Allele origin: germline. Affected: no.

Blueprint Genetics
Classification: Likely benign. Last evaluated: 2024-08-14. Review status: criteria provided, single submitter. Criteria: ACMG Guidelines, 2015. Collection method: clinical testing. Allele origin: germline.

CeGaT Center for Human Genetics Tuebingen
Classification: Benign. Last evaluated: 2022-08-01. Review status: criteria provided, single submitter. Criteria: CeGaT Center For Human Genetics Tuebingen Variant Classification Criteria Version 2. Collection method: clinical testing. Allele origin: germline. Affected: yes. Observed: 1 variant allele.
Comment: SETBP1: BS1, BS2

GeneDx
Classification: Benign. Last evaluated: 2021-07-23. Review status: criteria provided, single submitter. Criteria: GeneDx Variant Classification Process June 2021. Collection method: clinical testing. Allele origin: germline. Affected: yes.

NM_015559.3(SETBP1):c.1581T>G (p.Ala527=)

Gene: SETBP1 (SET binding protein 1; plus strand). Cytogenetic location: 18q12.3.
Variant type: single nucleotide variant.
Coding change: c.1581T>G on transcript NM_015559.3 (MANE Select); coding-DNA position 1581, T replaced by G.
Protein change: p.Ala527=; no amino-acid change (alanine 527 retained).
Molecular consequence: synonymous variant.
Genome position (GRCh38, 1-based): chr18:44,950,921, T>G. VCF-style: chr18-44950921-T-G. GRCh37 (hg19) VCF-style: chr18-42530886-T-G.
Other names: c.1581T>G, p.Ala527= (LRG_1150t1).
Identifiers: ClinVar variation 326742 (VCV000326742.38), dbSNP rs150136756, ClinGen allele CA8945645.